The following is an entry in ClinVar:

ClinVar aggregate classification (germline): Benign. Review status: reviewed by expert panel (3 of 4 stars). 27 submissions from 27 submitters: Benign (1). 26 of the submissions do not count toward it. Last evaluated 2015-08-10.

Conditions:
Inherited ovarian cancer (without breast cancer).
Inherited breast cancer and ovarian cancer.
Hereditary cancer-predisposing syndrome. Also called: Hereditary Cancer Syndrome; Tumor predisposition; Neoplastic Syndromes, Hereditary; Hereditary neoplastic syndrome. Identifiers: Orphanet 140162, MedGen C0027672, MeSH D009386, MONDO:0015356.
Breast and/or ovarian cancer. Identifiers: MedGen CN221562.
Breast neoplasm. Also called: Breast Neoplasms; Neoplasm of the breast; Neoplasm of breast; Breast tumor. Identifiers: MedGen C1458155, MeSH D001943, MONDO:0021100, HP:0100013. Disease mechanism: gain of function.
Hereditary breast ovarian cancer syndrome. Also called: Breast and ovarian cancer; BRCA1- and BRCA2-Associated Hereditary Breast and Ovarian Cancer; Hereditary breast and ovarian cancer; Hereditary breast and ovarian cancer syndrome (HBOC); Hereditary breast and ovarian cancer syndrome; Hereditary breast and/or ovarian cancer syndrome. Identifiers: Orphanet 145, MedGen C0677776, MeSH D061325, MONDO:0003582. Disease mechanism: loss of function.
Breast-ovarian cancer, familial, susceptibility to, 1 (BROVCA1). Also called: BRCA1 Hereditary Breast and Ovarian Cancer; OVARIAN CANCER, SUSCEPTIBILITY TO. Identifiers: Orphanet 145, MedGen C2676676, MONDO:0011450, OMIM 604370. Disease mechanism: loss of function.
Endometrial carcinoma. Also called: Endometrial carcinoma, somatic. Identifiers: MedGen C0476089, MONDO:0002447, OMIM 608089, HP:0012114.

Allele frequency attached by ClinVar (database versions not stated): ExAC 0.00006; gnomAD 0.00007 and 0.00009; ESP Exome Variant Server 0.00008; gnomAD exomes 0.00009 and 0.00020; TOPMed 0.00014.
gnomAD v4.1: 291 of 1,610,448 alleles (0.018%); highest among the groups gnomAD compares: Middle Eastern, 0.049%; 1 homozygote.

Submissions 1 to 18 of 27:

Evidence-based Network for the Interpretation of Germline Mutant Alleles (ENIGMA)
Classification: Benign for Breast-ovarian cancer, familial 1. Last evaluated: 2015-08-10. Review status: reviewed by expert panel. Criteria: ENIGMA BRCA1/2 Classification Criteria (2015). Collection method: curation. Allele origin: germline.
Comment: IARC class based on posterior probability from multifactorial likelihood analysis, thresholds for class as per Plon et al. 2008 (PMID: 18951446). Class 1 based on posterior probability = 0.000000105

Cambridge Genomics Laboratory, East Genomic Laboratory Hub, NHS Genomic Medicine Service
Classification: Benign for Inherited breast cancer and ovarian cancer. Last evaluated: 2026-08-25. Review status: criteria provided, single submitter. Criteria: ACGS Best Practice Guidelines for Variant Classification in Rare Disease 2020. Collection method: clinical testing. Allele origin: germline. Affected: yes. Not counted in ClinVar's aggregate classification.
Comment: BS3_Strong,BS1_Strong,BP1_Strong,BP5_Very Strong

Labcorp Genetics (formerly Invitae), Labcorp
Classification: Benign for Hereditary breast ovarian cancer syndrome. Last evaluated: 2026-02-03. Review status: criteria provided, single submitter. Criteria: Invitae Variant Classification Sherloc (09022015). Collection method: clinical testing. Allele origin: germline. Not counted in ClinVar's aggregate classification.

Dasa
Classification: Benign for Breast-ovarian cancer, familial, susceptibility to, 1. Last evaluated: 2025-11-05. Review status: criteria provided, single submitter. Criteria: DASA Assertion Criteria. Collection method: clinical testing. Allele origin: germline. Not counted in ClinVar's aggregate classification.
Comment: NM_007294.4(BRCA1):c.314A>G (p.Tyr105Cys) is a missense variant that results in the substitution of tyrosine with cysteine. Population frequency is inconsistent with a disease-causing role for this variant, functional evidence is consistent with no deleterious impact on the gene or gene product, and the variant context is inconsistent with a known disease-causing mechanism. Therefore, based on the currently available evidence, this variant is classified as benign.

ARUP Laboratories, Molecular Genetics and Genomics, ARUP Laboratories
Classification: Benign. Last evaluated: 2025-06-12. Review status: criteria provided, single submitter. Criteria: ARUP Molecular Germline Variant Investigation Process 2024. Collection method: clinical testing. Allele origin: germline. Not counted in ClinVar's aggregate classification.

CeGaT Center for Human Genetics Tuebingen
Classification: Likely benign. Last evaluated: 2025-04-01. Review status: criteria provided, single submitter. Criteria: CeGaT Center For Human Genetics Tuebingen Variant Classification Criteria Version 2. Collection method: clinical testing. Allele origin: germline. Affected: yes. Observed: 6 variant alleles. Not counted in ClinVar's aggregate classification.
Comment: BRCA1: BP1, BS3:Supporting

Center for Genomic Medicine, Rigshospitalet, Copenhagen University Hospital
Classification: Benign. Last evaluated: 2025-03-04. Review status: criteria provided, single submitter. Criteria: ACMG Guidelines, 2015. Collection method: clinical testing. Allele origin: germline. Not counted in ClinVar's aggregate classification.

Genomics and Molecular Medicine Service, East Genomic Laboratory Hub, NHS Genomic Medicine Service
Classification: Benign for Inherited ovarian cancer (without breast cancer). Last evaluated: 2024-06-26. Review status: criteria provided, single submitter. Criteria: ACGS Best Practice Guidelines for Variant Classification in Rare Disease 2020. Collection method: clinical testing. Allele origin: germline. Affected: yes. Not counted in ClinVar's aggregate classification.
Comment: BS3_Strong,BP1,BP5_Very Strong

Blueprint Genetics
Classification: Likely benign. Last evaluated: 2024-04-15. Review status: criteria provided, single submitter. Criteria: ACMG Guidelines, 2015. Collection method: clinical testing. Allele origin: germline. Not counted in ClinVar's aggregate classification.

CHEO Genetics Diagnostic Laboratory, Children's Hospital of Eastern Ontario
Classification: Likely benign for Breast and/or ovarian cancer. Last evaluated: 2022-10-12. Review status: criteria provided, single submitter. Criteria: ACMG Guidelines, 2015. Collection method: clinical testing. Allele origin: germline. Not counted in ClinVar's aggregate classification.

Sema4
Classification: Benign for Hereditary cancer-predisposing syndrome. Last evaluated: 2020-12-24. Review status: criteria provided, single submitter. Criteria: Sema4 Curation Guidelines. Collection method: curation. Allele origin: germline. Not counted in ClinVar's aggregate classification.

Mendelics
Classification: Likely benign for Breast-ovarian cancer, familial, susceptibility to, 1. Last evaluated: 2019-05-28. Review status: criteria provided, single submitter. Criteria: Mendelics Assertion Criteria 2017. Collection method: clinical testing. Allele origin: unknown. Not counted in ClinVar's aggregate classification.

Illumina Laboratory Services, Illumina
Classification: Likely benign for Breast-ovarian cancer, familial, susceptibility to, 1. Last evaluated: 2017-04-28. Review status: criteria provided, single submitter. Criteria: ICSL Variant Classification Criteria 13 December 2019. Collection method: clinical testing. Allele origin: germline. Not counted in ClinVar's aggregate classification.
Comment: This variant was observed as part of a predisposition screen in an ostensibly healthy population. A literature search was performed for the gene, cDNA change, and amino acid change (where applicable). Publications were found based on this search. The evidence from the literature, in combination with allele frequency data from public databases where available, was sufficient to determine this variant is unlikely to cause disease. Therefore, this variant is classified as likely benign.

Molecular Genetics Laboratory, University of Michigan
Classification: Benign for Breast-ovarian cancer, familial, susceptibility to, 1. Last evaluated: 2016-04-21. Review status: criteria provided, single submitter. Criteria: ACMG Guidelines, 2015. Collection method: clinical testing. Allele origin: germline. Affected: yes. Not counted in ClinVar's aggregate classification.

Color Diagnostics, LLC DBA Color Health
Classification: Likely benign for Hereditary cancer-predisposing syndrome. Last evaluated: 2015-02-17. Review status: criteria provided, single submitter. Criteria: ACMG Guidelines, 2015. Collection method: clinical testing. Allele origin: germline. Not counted in ClinVar's aggregate classification.

Ambry Genetics
Classification: Benign for Hereditary cancer-predisposing syndrome. Last evaluated: 2014-11-18. Review status: criteria provided, single submitter. Criteria: Ambry Variant Classification Scheme 2023. Collection method: clinical testing. Allele origin: germline. Not counted in ClinVar's aggregate classification.

GeneDx
Classification: Benign. Last evaluated: 2013-11-05. Review status: criteria provided, single submitter. Criteria: GeneDx Variant Classification (06012015). Collection method: clinical testing. Allele origin: germline. Affected: yes. Not counted in ClinVar's aggregate classification.
Comment: This variant is considered likely benign or benign based on one or more of the following criteria: it is a conservative change, it occurs at a poorly conserved position in the protein, it is predicted to be benign by multiple in silico algorithms, and/or has population frequency not consistent with disease.

Breakthrough Genomics
Classification: Benign. Review status: criteria provided, single submitter. Criteria: ACMG Guidelines, 2015. Collection method: not provided. Allele origin: germline. Inheritance: Autosomal recessive inheritance. Affected: yes. Not counted in ClinVar's aggregate classification.

NM_007294.4(BRCA1):c.314A>G (p.Tyr105Cys)

Gene: BRCA1 (BRCA1 DNA repair associated; minus strand). Cytogenetic location: 17q21.31.
Variant type: single nucleotide variant.
Coding change: c.314A>G on transcript NM_007294.4 (MANE Select); coding-DNA position 314, A replaced by G.
Protein change: p.Tyr105Cys; replaces tyrosine 105 with cysteine.
Molecular consequence: missense variant. On other transcripts: non-coding transcript variant (1).
Genome position (GRCh38, 1-based): chr17:43,104,249, T>C on the plus strand (A>G on the coding strand, the complement: BRCA1 is on the minus strand). VCF-style: chr17-43104249-T-C. GRCh37 (hg19) VCF-style: chr17-41256266-T-C.
Other names: p.Y105C:TAT>TGT; 433A>G; c.104A>G, p.Tyr35Cys (NM_001407571.1, NM_001407853.1, NM_001407879.1 and 58 more transcripts); c.314A>G, p.Tyr105Cys (NM_001407581.1, NM_001407582.1, NM_001407583.1 and 165 more transcripts); c.305A>G, p.Tyr102Cys (NM_001407646.1, NM_001407647.1, NM_001408408.1); c.236A>G, p.Tyr79Cys (NM_001407653.1, NM_001407654.1, NM_001407655.1 and 21 more transcripts); c.173A>G, p.Tyr58Cys (NM_001407692.1, NM_001407694.1, NM_001407695.1 and 99 more transcripts); c.-68A>G (NM_001407959.1, NM_001407960.1, NM_001407962.1 and 4 more transcripts); and 1 more; short protein forms Y105C, Y58C, Y35C, Y102C, Y61C, Y79C.
Identifiers: ClinVar variation 54780 (VCV000054780.71), dbSNP rs28897673, ClinGen allele CA002052.
Genomic context (GRCh38, chr17:43,104,249, plus strand): 5'-ATGATAGAAACTTCATCTTTTAGATGTTCAGGAGAGTTATTTTCCTTTTTTGCAAAATTA[T>C]AGCTGTTTGCATCTGTAAAATACAAGGGAAAACATTATGTTTGCAGTTAGAGAAAAATGT-3'
Protein context (NP_009225.1, residues 95-115): LDTGLEYANS[Tyr105Cys]NFAKKENNSP